The following is an entry in ClinVar:

ClinVar aggregate classification (germline): Conflicting classifications of pathogenicity. Review status: criteria provided, conflicting classifications (1 of 4 stars). 2 submissions from 2 submitters: Uncertain significance (1); Likely benign (1). Last evaluated 2023-11-16.

Allele frequency attached by ClinVar (database versions not stated): gnomAD 0.00001; TOPMed 0.00001; gnomAD exomes 0.00003.
gnomAD v4.1: 36 of 1,541,716 alleles (0.0023%); highest among the groups gnomAD compares: Non-Finnish European, 0.0031%; no homozygotes.

Submissions (2):

Blueprint Genetics
Classification: Likely benign. Last evaluated: 2023-11-16. Review status: criteria provided, single submitter. Criteria: ACMG Guidelines, 2015. Collection method: clinical testing. Allele origin: germline.

CeGaT Center for Human Genetics Tuebingen
Classification: Uncertain significance. Last evaluated: 2023-06-01. Review status: criteria provided, single submitter. Criteria: CeGaT Center For Human Genetics Tuebingen Variant Classification Criteria Version 2. Collection method: clinical testing. Allele origin: germline. Affected: yes. Observed: 1 variant allele.
Comment: TCTN2: PM2, BP4

NM_024809.5(TCTN2):c.1235-3T>C

Gene: TCTN2 (tectonic family member 2; plus strand). Cytogenetic location: 12q24.31.
Variant type: single nucleotide variant.
Coding change: c.1235-3T>C on transcript NM_024809.5 (MANE Select); 3 bases into the intron before coding-DNA position 1235, T replaced by C.
Molecular consequence: intron variant.
Genome position (GRCh38, 1-based): chr12:123,695,217, T>C. VCF-style: chr12-123695217-T-C. GRCh37 (hg19) VCF-style: chr12-124179764-T-C.
Other names: c.1100-3T>C (NM_001410989.1); c.1232-3T>C (NM_001143850.3).
Identifiers: ClinVar variation 2643517 (VCV002643517.25), dbSNP rs1156410703, ClinGen allele CA608507437.
Genomic context (GRCh38, chr12:123,695,217, plus strand): 5'-GGAGAATAATTTCTTTTCCTAGTGAAATGGTGCACATTATATTTTATTTTGTTTTATTTC[T>C]AGGGATAATGACACAGAGATTTGTAGTAAAATTTTTAAGCTATAATAGTGGTAATGAAGA-3'